The following is an entry in ClinVar:

ClinVar aggregate classification (somatic clinical impact): Tier I - Strong (1 of 4 stars; one submission).

Conditions:
Diffuse glioma, H3 G34 mutant. Identifiers: MedGen CN377580, MONDO:0957197.

Submission:

Institute for Genomic Medicine (IGM) Clinical Laboratory, Nationwide Children's Hospital
Classification: Tier I - Strong for Diffuse glioma, H3 G34 mutant. Assertion type: diagnostic. Clinical significance: supports diagnosis. Last evaluated: 2023-04-13. Review status: criteria provided, single submitter. Criteria: AMP/ASCO/CAP Guidelines, 2017. Collection method: clinical testing. Allele origin: somatic. Affected: yes.
Comment: Variant has Tier I (strong) clinical significance as a diagnostic inclusion criterion in diffuse glioma, H3 G34 mutant, based on the following evidence: 1) Information in the literature supports potential biologic effect of variant (PMIDs: 23970477, 20129251). 2) Diagnostic for a specific tumor type/classification based on well-powered studies with expert-level consensus (Evidence Level B; PMIDs: 24705251, 25230881, 28966033, 29763623, 24705250).

Literature cited by the submitters: PubMed 23970477; PubMed 20129251; PubMed 24705251; PubMed 25230881; PubMed 28966033; PubMed 29763623; PubMed 24705250.

NM_006206.6(PDGFRA):c.691_696del (p.Ile231_Val232del)

Gene: PDGFRA (platelet derived growth factor receptor alpha; plus strand). Cytogenetic location: 4q12.
Variant type: Deletion.
Coding change: c.691_696del on transcript NM_006206.6 (MANE Select); coding-DNA positions 691 to 696, 6 bases deleted (ATTGTG; older notation c.691_696delATTGTG).
Protein change: p.Ile231_Val232del.
Genome position (GRCh38, 1-based): chr4:54,264,981-54,264,986, ATTGTG deleted; deleting any 6 consecutive bases within chr4:54,264,980-54,264,986 gives the same sequence; the c. name uses the placement nearest the transcript's 3' end. VCF-style (leftmost placement, unchanged base first): chr4-54264979-CGATTGT-C. GRCh37 (hg19) VCF-style: chr4-55131146-CGATTGT-C.
Other names: c.691_696del, p.Ile231_Val232del (NM_001347827.2, NM_001347829.2); c.766_771del, p.Ile256_Val257del (NM_001347828.2); c.730_735del, p.Ile244_Val245del (NM_001347830.2).
Identifiers: ClinVar variation 4530325 (VCV004530325.1).